The following is an entry in ClinVar:

NM_005619.5(RTN2):c.916G>C (p.Val306Leu)

Genes: OPA3-RTN2 (OPA3-RTN2 readthrough; minus strand), RTN2 (reticulon 2; minus strand). Cytogenetic location: 19q13.32.
Variant type: single nucleotide variant.
Coding change: c.916G>C on transcript NM_005619.5 (MANE Select); coding-DNA position 916, G replaced by C.
Protein change: p.Val306Leu; replaces valine 306 with leucine.
Molecular consequence: missense variant. On other transcripts: intron variant (1).
Genome position (GRCh38, 1-based): chr19:45,493,277, C>G on the plus strand (G>C on the coding strand, the complement: RTN2 is on the minus strand). VCF-style: chr19-45493277-C-G. GRCh37 (hg19) VCF-style: chr19-45996535-C-G.
Other names: c.814+889G>C (NM_206900.3); c.916G>C (NM_005619.3); short protein forms V306L.
Identifiers: ClinVar variation 1514786 (VCV001514786.10), dbSNP rs181791404, ClinGen allele CA9516138.

ClinVar aggregate classification (germline): Uncertain significance. Review status: criteria provided, multiple submitters, no conflicts (2 of 4 stars). 3 submissions from 3 submitters: Uncertain significance (3). Last evaluated 2024-10-06.

Conditions:
Inborn genetic diseases. Identifiers: MedGen C0950123, MeSH D030342.
Spastic paraplegia. Identifiers: MedGen C0037772, HP:0001258.

gnomAD v4.1: 69 of 1,613,038 alleles (0.0043%); highest among the groups gnomAD compares: Non-Finnish European, 0.0056%; no homozygotes.

Submissions (3):

Ambry Genetics
Classification: Uncertain significance for Inborn genetic diseases. Last evaluated: 2024-10-06. Review status: criteria provided, single submitter. Criteria: Ambry Variant Classification Scheme 2023. Collection method: clinical testing. Allele origin: germline.

Blueprint Genetics
Classification: Uncertain significance. Last evaluated: 2022-03-31. Review status: criteria provided, single submitter. Criteria: ACMG Guidelines, 2015. Collection method: clinical testing. Allele origin: germline.

Labcorp Genetics (formerly Invitae), Labcorp
Classification: Uncertain significance for Spastic paraplegia. Last evaluated: 2021-02-07. Review status: criteria provided, single submitter. Criteria: Invitae Variant Classification Sherloc (09022015). Collection method: clinical testing. Allele origin: germline.
Comment: In summary, the available evidence is currently insufficient to determine the role of this variant in disease. Therefore, it has been classified as a Variant of Uncertain Significance. Algorithms developed to predict the effect of missense changes on protein structure and function (SIFT, PolyPhen-2, Align-GVGD) all suggest that this variant is likely to be tolerated, but these predictions have not been confirmed by published functional studies and their clinical significance is uncertain. This variant has not been reported in the literature in individuals with RTN2-related conditions. This variant is present in population databases (rs181791404, ExAC 0.002%). This sequence change replaces valine with leucine at codon 306 of the RTN2 protein (p.Val306Leu). The valine residue is weakly conserved and there is a small physicochemical difference between valine and leucine.